The following is an entry in ClinVar:

ClinVar aggregate classification (germline): Uncertain significance. Review status: criteria provided, multiple submitters, no conflicts (2 of 4 stars). 3 submissions from 3 submitters: Uncertain significance (3). Last evaluated 2025-07-08.

Conditions:
Developmental and epileptic encephalopathy, 34 (DEE34). Also called: Early infantile epileptic encephalopathy 34; SLC12A5-Related Epilepsy of Infancy with Migrating Focal Seizures. Identifiers: Orphanet 293181, MedGen C4225257, MONDO:0014718, OMIM 616645.

Allele frequency attached by ClinVar (database versions not stated): ExAC 0.00002; gnomAD 0.00002; gnomAD exomes 0.00004; TOPMed 0.00005.
gnomAD v4.1: 48 of 1,614,038 alleles (0.003%); highest among the groups gnomAD compares: East Asian, 0.0067%; no homozygotes.

Submissions (3):

Women's Health and Genetics/Laboratory Corporation of America, LabCorp
Classification: Uncertain significance. Last evaluated: 2025-07-08. Review status: criteria provided, single submitter. Criteria: LabCorp Variant Classification Summary - May 2015. Collection method: clinical testing. Allele origin: germline.
Comment: Variant summary: SLC12A5 c.2945C>T (p.Thr982Met) results in a non-conservative amino acid change in the encoded protein sequence. Algorithms developed to predict the effect of missense changes on protein structure and function are either unavailable or do not agree on the potential impact of this missense change. The variant allele was found at a frequency of 4e-05 in 251428 control chromosomes. This frequency is not significantly higher than estimated for a pathogenic variant in SLC12A5 causing Developmental And Epileptic Encephalopathy, 34, allowing no conclusion about variant significance. To our knowledge, no occurrence of c.2945C>T in individuals affected with Developmental And Epileptic Encephalopathy, 34 and no experimental evidence demonstrating its impact on protein function have been reported. ClinVar contains an entry for this variant (Variation ID: 852365). Based on the evidence outlined above, the variant was classified as uncertain significance.

Ambry Genetics
Classification: Uncertain significance. Last evaluated: 2025-02-19. Review status: criteria provided, single submitter. Criteria: Ambry Variant Classification Scheme 2023. Collection method: clinical testing. Allele origin: germline.

Labcorp Genetics (formerly Invitae), Labcorp
Classification: Uncertain significance for Developmental and epileptic encephalopathy, 34. Last evaluated: 2022-08-31. Review status: criteria provided, single submitter. Criteria: Invitae Variant Classification Sherloc (09022015). Collection method: clinical testing. Allele origin: germline.
Comment: This sequence change replaces threonine, which is neutral and polar, with methionine, which is neutral and non-polar, at codon 959 of the SLC12A5 protein (p.Thr959Met). This variant is present in population databases (rs759314815, gnomAD 0.01%). This variant has not been reported in the literature in individuals affected with SLC12A5-related conditions. ClinVar contains an entry for this variant (Variation ID: 852365). Advanced modeling of protein sequence and biophysical properties (such as structural, functional, and spatial information, amino acid conservation, physicochemical variation, residue mobility, and thermodynamic stability) performed at Invitae indicates that this missense variant is not expected to disrupt SLC12A5 protein function. In summary, the available evidence is currently insufficient to determine the role of this variant in disease. Therefore, it has been classified as a Variant of Uncertain Significance.

NM_020708.5(SLC12A5):c.2876C>T (p.Thr959Met)

Gene: SLC12A5 (solute carrier family 12 member 5; plus strand). Cytogenetic location: 20q13.12.
Variant type: single nucleotide variant.
Coding change: c.2876C>T on transcript NM_020708.5 (MANE Select); coding-DNA position 2876, C replaced by T.
Protein change: p.Thr959Met; replaces threonine 959 with methionine.
Molecular consequence: missense variant.
Genome position (GRCh38, 1-based): chr20:46,056,238, C>T. VCF-style: chr20-46056238-C-T. GRCh37 (hg19) VCF-style: chr20-44684877-C-T.
Other names: c.2945C>T, p.Thr982Met (NM_001134771.2); short protein forms T959M, T982M.
Identifiers: ClinVar variation 852365 (VCV000852365.7), dbSNP rs759314815, ClinGen allele CA9887727.